The following is an entry in ClinVar:

NM_001042492.3(NF1):c.8381T>C (p.Ile2794Thr)

Gene: NF1 (neurofibromin 1; plus strand). Cytogenetic location: 17q11.2.
Variant type: single nucleotide variant.
Coding change: c.8381T>C on transcript NM_001042492.3 (MANE Select); coding-DNA position 8381, T replaced by C.
Protein change: p.Ile2794Thr; replaces isoleucine 2794 with threonine.
Molecular consequence: missense variant.
Genome position (GRCh38, 1-based): chr17:31,374,016, T>C. VCF-style: chr17-31374016-T-C. GRCh37 (hg19) VCF-style: chr17-29701034-T-C.
Other names: c.8318T>C, p.Ile2773Thr (NM_000267.4); short protein forms I2773T, I2794T.
Identifiers: ClinVar variation 1393710 (VCV001393710.8), dbSNP rs2151601235, ClinGen allele CA399205851.

ClinVar aggregate classification (germline): Uncertain significance (1 of 4 stars; one submission).

Conditions:
Neurofibromatosis, type 1 (NF1). Also called: VON RECKLINGHAUSEN DISEASE; Neurofibromatosis, type I; NEUROFIBROMATOSIS, TYPE I, SOMATIC; Peripheral type neurofibromatosis. Identifiers: Orphanet 636, MedGen C0027831, MONDO:0018975, OMIM 162200. Disease mechanism: loss of function.

Submission:

Labcorp Genetics (formerly Invitae), Labcorp
Classification: Uncertain significance for Neurofibromatosis, type 1. Last evaluated: 2021-05-07. Review status: criteria provided, single submitter. Criteria: Invitae Variant Classification Sherloc (09022015). Collection method: clinical testing. Allele origin: germline.
Comment: Advanced modeling of protein sequence and biophysical properties (such as structural, functional, and spatial information, amino acid conservation, physicochemical variation, residue mobility, and thermodynamic stability) performed at Invitae indicates that this missense variant is not expected to disrupt NF1 protein function. This variant has not been reported in the literature in individuals with NF1-related conditions. This variant is not present in population databases (ExAC no frequency). This sequence change replaces isoleucine with threonine at codon 2773 of the NF1 protein (p.Ile2773Thr). The isoleucine residue is moderately conserved and there is a moderate physicochemical difference between isoleucine and threonine. In summary, the available evidence is currently insufficient to determine the role of this variant in disease. Therefore, it has been classified as a Variant of Uncertain Significance.